The following is an entry in ClinVar:

NM_000965.5(RARB):c.1059A>G (p.Lys353=)

Gene: RARB (retinoic acid receptor beta; plus strand). Cytogenetic location: 3p24.2.
Variant type: single nucleotide variant.
Coding change: c.1059A>G on transcript NM_000965.5 (MANE Select); coding-DNA position 1059, A replaced by G.
Protein change: p.Lys353=; no amino-acid change (lysine 353 retained).
Molecular consequence: synonymous variant. On other transcripts: non-coding transcript variant (2).
Genome position (GRCh38, 1-based): chr3:25,594,587, A>G. VCF-style: chr3-25594587-A-G. GRCh37 (hg19) VCF-style: chr3-25636078-A-G.
Other names: c.1080A>G, p.Lys360= (NM_001290216.3); c.723A>G, p.Lys241= (NM_001290217.2, NM_001290276.2, NM_016152.4); c.912A>G, p.Lys304= (NM_001290266.2); c.921A>G, p.Lys307= (NM_001290277.1); c.930A>G, p.Lys310= (NM_001290300.2).
Identifiers: ClinVar variation 2653629 (VCV002653629.24), dbSNP rs757567712, ClinGen allele CA2287859.
Genomic context (GRCh38, chr3:25,594,587, plus strand): 5'-GGACCTTGAGGAACCGACAAAAGTAGATAAGCTACAAGAACCATTGCTGGAAGCACTAAA[A>G]ATTTATATCAGAAAAAGACGACCCAGCAAGCCTCACATGTTTCCAAAGATCTTAATGAAA-3'
Protein context (NP_000956.2, residues 343-363): KLQEPLLEAL[Lys353=]IYIRKRRPSK

ClinVar aggregate classification (germline): Likely benign (1 of 4 stars; one submission).

Allele frequency attached by ClinVar (database versions not stated): ExAC 0.00001; TOPMed 0.00001; gnomAD exomes 0.00002.
gnomAD v4.1: 13 of 1,613,770 alleles (0.00081%); highest among the groups gnomAD compares: Non-Finnish European, 0.001%; no homozygotes.

Submission:

CeGaT Center for Human Genetics Tuebingen
Classification: Likely benign. Last evaluated: 2022-05-01. Review status: criteria provided, single submitter. Criteria: CeGaT Center For Human Genetics Tuebingen Variant Classification Criteria Version 2. Collection method: clinical testing. Allele origin: germline. Affected: yes. Observed: 1 variant allele.
Comment: RARB: BP4, BP7